The following is an entry in ClinVar:

ClinVar aggregate classification (germline): Uncertain significance (1 of 4 stars; one submission).

gnomAD v4.1: 3 of 1,605,356 alleles (0.00019%); highest among the groups gnomAD compares: Non-Finnish European, 0.00025%; no homozygotes.

Submission:

Labcorp Genetics (formerly Invitae), Labcorp
Classification: Uncertain significance. Last evaluated: 2024-09-12. Review status: criteria provided, single submitter. Criteria: Invitae Variant Classification Sherloc (09022015). Collection method: clinical testing. Allele origin: germline.
Comment: This sequence change replaces threonine, which is neutral and polar, with alanine, which is neutral and non-polar, at codon 160 of the NYNRIN protein (p.Thr160Ala). This variant is not present in population databases (gnomAD no frequency). This variant has not been reported in the literature in individuals affected with NYNRIN-related conditions. Experimental studies and prediction algorithms are not available or were not evaluated, and the functional significance of this variant is currently unknown. In summary, the available evidence is currently insufficient to determine the role of this variant in disease. Therefore, it has been classified as a Variant of Uncertain Significance.

NM_025081.3(NYNRIN):c.478A>G (p.Thr160Ala)

Gene: NYNRIN (NYN domain and retroviral integrase containing; plus strand). Cytogenetic location: 14q12.
Variant type: single nucleotide variant.
Coding change: c.478A>G on transcript NM_025081.3 (MANE Select); coding-DNA position 478, A replaced by G.
Protein change: p.Thr160Ala; replaces threonine 160 with alanine.
Molecular consequence: missense variant.
Genome position (GRCh38, 1-based): chr14:24,408,148, A>G. VCF-style: chr14-24408148-A-G. GRCh37 (hg19) VCF-style: chr14-24877354-A-G.
Other names: short protein forms T160A.
Identifiers: ClinVar variation 3710893 (VCV003710893.2).